The following is an entry in ClinVar:

NM_001267550.2(TTN):c.31384C>A (p.Pro10462Thr)

Gene: TTN (titin; minus strand). Cytogenetic location: 2q31.2.
Variant type: single nucleotide variant.
Coding change: c.31384C>A on transcript NM_001267550.2 (MANE Select); coding-DNA position 31384, C replaced by A.
Protein change: p.Pro10462Thr; replaces proline 10462 with threonine.
Molecular consequence: missense variant. On other transcripts: intron variant (3).
Genome position (GRCh38, 1-based): chr2:178,694,641, G>T on the plus strand (C>A on the coding strand, the complement: TTN is on the minus strand). VCF-style: chr2-178694641-G-T. GRCh37 (hg19) VCF-style: chr2-179559368-G-T.
Other names: c.30433C>A, p.Pro10145Thr (NM_001256850.1); c.27652C>A, p.Pro9218Thr (NM_133378.4); c.13282+43441C>A (NM_003319.4); c.13858+43441C>A (NM_133437.4); c.13657+43441C>A (NM_133432.3); short protein forms P10145T, P10462T, P9218T.
Identifiers: ClinVar variation 4688659 (VCV004688659.2).

ClinVar aggregate classification (germline): Uncertain significance. Review status: criteria provided, multiple submitters, no conflicts (2 of 4 stars). 2 submissions from 2 submitters: Uncertain significance (2). Last evaluated 2025-12-02.

Conditions:
TTN-related disorder. Also called: TTN-related condition; TTN-related disease; TTN-related disorders.

gnomAD v4.1: 5 of 1,559,300 alleles (0.00032%); highest among the groups gnomAD compares: South Asian, 0.0012%; no homozygotes.

Submissions (2):

Women's Health and Genetics/Laboratory Corporation of America, LabCorp
Classification: Uncertain significance. Last evaluated: 2025-12-02. Review status: criteria provided, single submitter. Criteria: LabCorp Variant Classification Summary - May 2015. Collection method: clinical testing. Allele origin: germline.
Comment: Variant summary: TTN c.27652C>A (p.Pro9218Thr) results in a non-conservative amino acid change in the encoded protein sequence. Algorithms developed to predict the effect of missense changes on protein structure and function are either unavailable or do not agree on the potential impact of this missense change. The variant allele was found at a frequency of 1.2e-05 in 172246 control chromosomes. The available data on variant occurrences in the general population are insufficient to allow any conclusion about variant significance. c.27652C>A has been observed in an individual affected with Hypertrophic Cardiomyopathy. This report does not provide unequivocal conclusions about association of the variant with Cardiomyopathy. To our knowledge, no experimental evidence demonstrating an impact on protein function has been reported. The following publication has been ascertained in the context of this evaluation (PMID: 29540445). No submitters have cited clinical-significance assessments for this variant to ClinVar. Based on the evidence outlined above, the variant was classified as uncertain significance.

PreventionGenetics, part of Exact Sciences
Classification: Uncertain significance for TTN-related condition. Last evaluated: 2025-04-09. Review status: criteria provided, single submitter. Criteria: ACMG Guidelines, 2015. Collection method: clinical testing. Allele origin: germline.
Comment: The TTN c.31384C>A variant is predicted to result in the amino acid substitution p.Pro10462Thr. This variant has been reported in an individual with hypertrophic cardiomyopathy (Marian et al. 2018. PubMed ID: 29540445). This variant is reported in 0.0043% of alleles in individuals of South Asian descent in gnomAD. At this time, the clinical significance of this variant is uncertain due to the absence of conclusive functional and genetic evidence.

Literature cited by the submitters: PubMed 29540445 (cited by Women's Health and Genetics/Laboratory Corporation of America, LabCorp).